The following is an entry in ClinVar:

NM_025137.4(SPG11):c.2146C>A (p.Gln716Lys)

Gene: SPG11 (SPG11 vesicle trafficking associated, spatacsin; minus strand). Cytogenetic location: 15q21.1.
Variant type: single nucleotide variant.
Coding change: c.2146C>A on transcript NM_025137.4 (MANE Select); coding-DNA position 2146, C replaced by A.
Protein change: p.Gln716Lys; replaces glutamine 716 with lysine.
Molecular consequence: missense variant.
Genome position (GRCh38, 1-based): chr15:44,626,429, G>T on the plus strand (C>A on the coding strand, the complement: SPG11 is on the minus strand). VCF-style: chr15-44626429-G-T. GRCh37 (hg19) VCF-style: chr15-44918627-G-T.
Other names: p.Gln716Lys; c.2146C>A, p.Gln716Lys (NM_001160227.2); short protein forms Q716K.
Identifiers: ClinVar variation 663780 (VCV000663780.9), dbSNP rs312262737, ClinGen allele CA270078409.

ClinVar aggregate classification (germline): Uncertain significance. Review status: criteria provided, multiple submitters, no conflicts (2 of 4 stars). 3 submissions from 3 submitters: Uncertain significance (3). Last evaluated 2025-06-06.

Conditions:
Hereditary spastic paraplegia 11. Also called: Spastic paraplegia, mental retardation and thin corpus callosum; Nakamura Osame syndrome; Autosomal recessive hereditary spastic paraplegia, mental impairment, and thin corpus callosum; SPASTIC PARAPLEGIA, AUTOSOMAL RECESSIVE, COMPLICATED, WITH THIN CORPUS CALLOSUM; SPASTIC PARAPLEGIA, AUTOSOMAL RECESSIVE, WITH MENTAL IMPAIRMENT AND THIN CORPUS CALLOSUM; Spastic Paraplegia 11. Identifiers: Orphanet 2822, MedGen C1858479, MONDO:0011445, OMIM 604360.

Allele frequency attached by ClinVar (database versions not stated): gnomAD 0.00003; TOPMed 0.00003; ESP Exome Variant Server 0.00008.
gnomAD v4.1: 46 of 1,613,822 alleles (0.0029%); highest among the groups gnomAD compares: Non-Finnish European, 0.0037%; no homozygotes.

Submissions (3):

GeneDx
Classification: Uncertain significance. Last evaluated: 2025-06-06. Review status: criteria provided, single submitter. Criteria: GeneDx Variant Classification Process June 2021. Collection method: clinical testing. Allele origin: germline. Affected: yes.
Comment: Not observed at significant frequency in large population cohorts (gnomAD); In silico analysis suggests that this missense variant does not alter protein structure/function; Has not been previously published as pathogenic or benign to our knowledge

Mayo Clinic Laboratories, Mayo Clinic
Classification: Uncertain significance. Last evaluated: 2023-03-29. Review status: criteria provided, single submitter. Criteria: ACMG Guidelines, 2015. Collection method: clinical testing. Allele origin: germline. Observed: 1 variant allele.

Labcorp Genetics (formerly Invitae), Labcorp
Classification: Uncertain significance for Hereditary spastic paraplegia 11. Last evaluated: 2021-12-29. Review status: criteria provided, single submitter. Criteria: Invitae Variant Classification Sherloc (09022015). Collection method: clinical testing. Allele origin: germline.
Comment: This sequence change replaces glutamine, which is neutral and polar, with lysine, which is basic and polar, at codon 716 of the SPG11 protein (p.Gln716Lys). This variant is present in population databases (rs312262737, gnomAD 0.003%). This variant has not been reported in the literature in individuals affected with SPG11-related conditions. ClinVar contains an entry for this variant (Variation ID: 663780). Algorithms developed to predict the effect of missense changes on protein structure and function are either unavailable or do not agree on the potential impact of this missense change (SIFT: "Deleterious"; PolyPhen-2: "Benign"; Align-GVGD: "Class C0"). In summary, the available evidence is currently insufficient to determine the role of this variant in disease. Therefore, it has been classified as a Variant of Uncertain Significance.